The following is an entry in ClinVar:

NM_006565.4(CTCF):c.895T>C (p.Cys299Arg)

Gene: CTCF (CCCTC-binding factor; plus strand). Cytogenetic location: 16q22.1.
Variant type: single nucleotide variant.
Coding change: c.895T>C on transcript NM_006565.4 (MANE Select); coding-DNA position 895, T replaced by C.
Protein change: p.Cys299Arg; replaces cysteine 299 with arginine.
Molecular consequence: missense variant. On other transcripts: intron variant (1).
Genome position (GRCh38, 1-based): chr16:67,612,064, T>C. VCF-style: chr16-67612064-T-C. GRCh37 (hg19) VCF-style: chr16-67645967-T-C.
Other names: c.895T>C, p.Cys299Arg (NM_001363916.2); c.-32-4681T>C (NM_001191022.2); short protein forms C299R.
Identifiers: ClinVar variation 1327249 (VCV001327249.3), dbSNP rs2142828816, ClinGen allele CA396309527.

ClinVar aggregate classification (germline): Uncertain significance. Review status: criteria provided, multiple submitters, no conflicts (2 of 4 stars). 2 submissions from 2 submitters: Uncertain significance (2). Last evaluated 2026-03-03.

Conditions:
Inborn genetic diseases. Identifiers: MedGen C0950123, MeSH D030342.

Submissions (2):

Ambry Genetics
Classification: Uncertain significance for Inborn genetic diseases. Last evaluated: 2026-03-03. Review status: criteria provided, single submitter. Criteria: Ambry Variant Classification Scheme 2023. Collection method: clinical testing. Allele origin: germline.
Comment: The c.895T>C (p.C299R) alteration is located in exon 4 (coding exon 2) of the CTCF gene. This alteration results from a T to C substitution at nucleotide position 895, causing the cysteine (C) at amino acid position 299 to be replaced by an arginine (R). This variant was not reported in population-based cohorts in the Genome Aggregation Database (gnomAD). This amino acid position is highly conserved in available vertebrate species. This missense variant is located in a region that has a low rate of benign missense variation (Lek, 2016; Firth, 2009). This alteration is predicted to be deleterious by in silico analysis. Based on insufficient or conflicting evidence, the clinical significance of this alteration remains unclear.

GeneDx
Classification: Uncertain significance. Last evaluated: 2021-04-14. Review status: criteria provided, single submitter. Criteria: GeneDx Variant Classification Process June 2021. Collection method: clinical testing. Allele origin: germline. Affected: yes.
Comment: Not observed in large population cohorts (Lek et al., 2016); In silico analysis supports that this missense variant has a deleterious effect on protein structure/function; Has not been previously published as pathogenic or benign to our knowledge